The following is an entry in ClinVar:

NM_004360.5(CDH1):c.870C>A (p.Asp290Glu)

Gene: CDH1 (cadherin 1; plus strand). Cytogenetic location: 16q22.1.
Variant type: single nucleotide variant.
Coding change: c.870C>A on transcript NM_004360.5 (MANE Select); coding-DNA position 870, C replaced by A.
Protein change: p.Asp290Glu; replaces aspartic acid 290 with glutamic acid.
Molecular consequence: missense variant. On other transcripts: 5 prime UTR variant (2).
Genome position (GRCh38, 1-based): chr16:68,811,721, C>A. VCF-style: chr16-68811721-C-A. GRCh37 (hg19) VCF-style: chr16-68845624-C-A.
Other names: c.870C>A, p.Asp290Glu (NM_001317184.2); c.-746C>A (NM_001317185.2); c.-950C>A (NM_001317186.2); short protein forms D290E.
Identifiers: ClinVar variation 4280322 (VCV004280322.1).

ClinVar aggregate classification (germline): Uncertain significance (1 of 4 stars; one submission).

Conditions:
Hereditary cancer-predisposing syndrome. Also called: Tumor predisposition; Neoplastic Syndromes, Hereditary; Hereditary Cancer Syndrome; Hereditary neoplastic syndrome. Identifiers: Orphanet 140162, MedGen C0027672, MeSH D009386, MONDO:0015356.

Submission:

Catlab - Consorci Sanitari de Terrassa
Classification: Uncertain significance for Hereditary cancer-predisposing syndrome. Last evaluated: 2024-11-04. Review status: criteria provided, single submitter. Criteria: ClinGen CDH1 ACMG Specifications CDH1 V3.1.0. Collection method: clinical testing. Allele origin: germline.
Comment: Based on the currently available information, this variant is classified as Variant of Uncertain Significance according to ClinGen-CDH1 v3.1.0 guidelines. ACMG criteria: PM2_supp.